The following is an entry in ClinVar:

ClinVar aggregate classification (germline): Uncertain significance (1 of 4 stars; one submission).

Submission:

Labcorp Genetics (formerly Invitae), Labcorp
Classification: Uncertain significance. Last evaluated: 2023-05-30. Review status: criteria provided, single submitter. Criteria: Invitae Variant Classification Sherloc (09022015). Collection method: clinical testing. Allele origin: germline.
Comment: In summary, the available evidence is currently insufficient to determine the role of this variant in disease. Therefore, it has been classified as a Variant of Uncertain Significance. Experimental studies and prediction algorithms are not available or were not evaluated, and the functional significance of this variant is currently unknown. This variant has not been reported in the literature in individuals affected with TNFRSF11A-related conditions. Information on the frequency of this variant in the gnomAD database is not available, as this variant may be reported differently in the database. This variant, c.195_196delinsAC, is a complex sequence change that results in the deletion of 2 and insertion of 2 amino acid(s) in the TNFRSF11A protein (p.Asp65_Ser66delinsGluArg).

NM_003839.4(TNFRSF11A):c.195_196delinsAC (p.Asp65_Ser66delinsGluArg)

Gene: TNFRSF11A (TNF receptor superfamily member 11a; plus strand). Cytogenetic location: 18q21.33.
Variant type: Indel.
Coding change: c.195_196delinsAC on transcript NM_003839.4 (MANE Select); coding-DNA positions 195 to 196, CA replaced by AC.
Protein change: p.Asp65_Ser66delinsGluArg.
Molecular consequence: missense variant.
Genome position (GRCh38, 1-based): chr18:62,349,849-62,349,850, CA replaced by AC. VCF-style: chr18-62349849-CA-AC. GRCh37 (hg19) VCF-style: chr18-60017082-CA-AC.
Other names: c.195_196delinsAC, p.Asp65_Ser66delinsGluArg (NM_001270949.2, NM_001270950.2, NM_001270951.2 and 1 more transcripts).
Identifiers: ClinVar variation 2861246 (VCV002861246.3), dbSNP rs2513289431, ClinGen allele CA2739276325.
Genomic context (GRCh38, chr18:62,349,849, plus strand): 5'-TTTTTCTCCCTCATTTTTTTAAGGAAAGTACATGTCTTCTAAATGCACTACTACCTCTGA[CA>AC]GTGTATGTCTGCCCTGTGGCCCGGATGAATACTTGGATAGCTGGAATGAAGAAGATAAAT-3'